The following is an entry in ClinVar:

NM_130468.4(CHST14):c.73G>T (p.Ala25Ser)

Genes: CHST14 (carbohydrate sulfotransferase 14; plus strand), LOC130056851 (ATAC-STARR-seq lymphoblastoid silent region 6336; plus strand). Cytogenetic location: 15q15.1.
Variant type: single nucleotide variant.
Coding change: c.73G>T on transcript NM_130468.4 (MANE Select); coding-DNA position 73, G replaced by T.
Protein change: p.Ala25Ser; replaces alanine 25 with serine.
Molecular consequence: missense variant.
Genome position (GRCh38, 1-based): chr15:40,471,286, G>T. VCF-style: chr15-40471286-G-T. GRCh37 (hg19) VCF-style: chr15-40763485-G-T.
Other names: short protein forms A25S.
Identifiers: ClinVar variation 1758737 (VCV001758737.2), dbSNP rs1348903599, ClinGen allele CA391762079.

ClinVar aggregate classification (germline): Uncertain significance (1 of 4 stars; one submission).

Conditions:
Cardiovascular phenotype. Identifiers: MedGen CN230736.

Submission:

Ambry Genetics
Classification: Uncertain significance for Cardiovascular phenotype. Last evaluated: 2022-10-23. Review status: criteria provided, single submitter. Criteria: Ambry Variant Classification Scheme 2023. Collection method: clinical testing. Allele origin: germline.
Comment: The p.A25S variant (also known as c.73G>T), located in coding exon 1 of the CHST14 gene, results from a G to T substitution at nucleotide position 73. The alanine at codon 25 is replaced by serine, an amino acid with similar properties. This amino acid position is conserved. In addition, this alteration is predicted to be tolerated by in silico analysis. Since supporting evidence is limited at this time, the clinical significance of this alteration remains unclear.